The following is an entry in ClinVar:

ClinVar aggregate classification (germline): Pathogenic (1 of 4 stars; one submission).

Submission:

Labcorp Genetics (formerly Invitae), Labcorp
Classification: Pathogenic. Last evaluated: 2019-08-10. Review status: criteria provided, single submitter. Criteria: Invitae Variant Classification Sherloc (09022015). Collection method: clinical testing. Allele origin: germline.
Comment: A gross deletion of the genomic region encompassing the full coding sequence of the SLC16A12 gene has been identified. The boundaries of this event are unknown as the deletion extends beyond the assayed region for this gene and therefore may encompass additional genes. This variant has not been reported in the literature in individuals with SLC16A12-related conditions. Loss-of-function variants in SLC16A12 are known to be pathogenic (PMID: 18304496, 21778275). For these reasons, this variant has been classified as Pathogenic.

NC_000010.11:g.(?_89338661)_(89612048_?)del

Genes: IFIT1 (interferon induced protein with tetratricopeptide repeats 1; plus strand), IFIT1B (interferon induced protein with tetratricopeptide repeats 1B; plus strand), IFIT3 (interferon induced protein with tetratricopeptide repeats 3; plus strand), IFIT5 (interferon induced protein with tetratricopeptide repeats 5; plus strand), MIR107 (microRNA 107; minus strand) and 2 more. Cytogenetic location: 10q23.31.
Variant type: Deletion.
Identifiers: ClinVar variation 831108 (VCV000831108.1).